The following is an entry in ClinVar:

ClinVar aggregate classification (germline): Uncertain significance (1 of 4 stars; one submission).

Conditions:
Hypertrophic cardiomyopathy. Also called: HYPERTROPHIC MYOCARDIOPATHY. Identifiers: Orphanet 217569, MedGen C0007194, MeSH D002312, MONDO:0005045, HP:0001639.

Submission:

Labcorp Genetics (formerly Invitae), Labcorp
Classification: Uncertain significance for Hypertrophic cardiomyopathy. Last evaluated: 2024-09-05. Review status: criteria provided, single submitter. Criteria: Invitae Variant Classification Sherloc (09022015). Collection method: clinical testing. Allele origin: germline.
Comment: This sequence change replaces histidine, which is basic and polar, with tyrosine, which is neutral and polar, at codon 556 of the MYH7 protein (p.His556Tyr). This variant is not present in population databases (gnomAD no frequency). This variant has not been reported in the literature in individuals affected with MYH7-related conditions. ClinVar contains an entry for this variant (Variation ID: 1492644). Invitae Evidence Modeling of protein sequence and biophysical properties (such as structural, functional, and spatial information, amino acid conservation, physicochemical variation, residue mobility, and thermodynamic stability) indicates that this missense variant is expected to disrupt MYH7 protein function with a positive predictive value of 95%. In summary, the available evidence is currently insufficient to determine the role of this variant in disease. Therefore, it has been classified as a Variant of Uncertain Significance.

NM_000257.4(MYH7):c.1666C>T (p.His556Tyr)

Gene: MYH7 (myosin heavy chain 7; minus strand). Cytogenetic location: 14q11.2.
Variant type: single nucleotide variant.
Coding change: c.1666C>T on transcript NM_000257.4 (MANE Select); coding-DNA position 1666, C replaced by T.
Protein change: p.His556Tyr; replaces histidine 556 with tyrosine.
Molecular consequence: missense variant.
Genome position (GRCh38, 1-based): chr14:23,427,807, G>A on the plus strand (C>T on the coding strand, the complement: MYH7 is on the minus strand). VCF-style: chr14-23427807-G-A. GRCh37 (hg19) VCF-style: chr14-23897016-G-A.
Other names: short protein forms H556Y.
Identifiers: ClinVar variation 1492644 (VCV001492644.8), dbSNP rs2138672419, ClinGen allele CA389050077.